The following is an entry in ClinVar:

ClinVar aggregate classification (germline): Conflicting classifications of pathogenicity. Review status: criteria provided, conflicting classifications (1 of 4 stars). 3 submissions from 3 submitters: Uncertain significance (1); Likely benign (1). 1 of the submissions does not count toward it. Last evaluated 2026-01-05.

Conditions:
Nemaline myopathy 2 (NEM2). Also called: Nemaline myopathy 2, autosomal recessive. Identifiers: MedGen C1850569, MONDO:0009725, OMIM 256030.

Allele frequency attached by ClinVar (database versions not stated): gnomAD 0.00001; TOPMed 0.00003; ExAC 0.00006.
gnomAD v4.1: 48 of 1,613,804 alleles (0.003%); highest among the groups gnomAD compares: South Asian, 0.02%; 1 homozygote.

Submissions (3):

Labcorp Genetics (formerly Invitae), Labcorp
Classification: Likely benign for Nemaline myopathy 2. Last evaluated: 2026-01-05. Review status: criteria provided, single submitter. Criteria: Invitae Variant Classification Sherloc (09022015). Collection method: clinical testing. Allele origin: germline.

GeneDx
Classification: Uncertain significance. Last evaluated: 2017-03-09. Review status: criteria provided, single submitter. Criteria: GeneDx Variant Classification (06012015). Collection method: clinical testing. Allele origin: germline. Affected: yes.
Comment: The R7501C variant in the NEB gene has not been reported previously as a pathogenic variant, nor as a benign variant, to our knowledge. This variant is observed in 3/16,512 alleles (0.02%) from individuals of South Asian background in the ExAC dataset (Lek et al., 2016). The R7501C variant is a non-conservative amino acid substitution, which is likely to impact secondary protein structure as these residues differ in polarity, charge, size and/or other properties. In addition, this substitution occurs at a position where amino acids with similar properties to Arginine are tolerated across species, and in silico analysis predicts this variant is probably damaging to the protein structure/function. We interpret R7501C as a variant of uncertain significance.

Natera, Inc.
Classification: Uncertain significance for Nemaline myopathy type 2. Last evaluated: 2019-11-11. Review status: no assertion criteria provided. Collection method: clinical testing. Allele origin: germline. Not counted in ClinVar's aggregate classification.

NM_001164508.2(NEB):c.22396C>T (p.Arg7466Cys)

Genes: NEB (nebulin; minus strand), RIF1 (replication timing regulatory factor 1; plus strand). Cytogenetic location: 2q23.3.
Variant type: single nucleotide variant.
Coding change: c.22396C>T on transcript NM_001164508.2 (MANE Select); coding-DNA position 22396, C replaced by T.
Protein change: p.Arg7466Cys; replaces arginine 7466 with cysteine.
Molecular consequence: missense variant.
Genome position (GRCh38, 1-based): chr2:151,524,394, G>A on the plus strand (C>T on the coding strand, the complement: NEB is on the minus strand). VCF-style: chr2-151524394-G-A. GRCh37 (hg19) VCF-style: chr2-152380908-G-A.
Other names: c.22396C>T, p.Arg7466Cys (NM_001164507.2); c.22501C>T, p.Arg7501Cys (NM_001271208.2); c.17293C>T, p.Arg5765Cys (NM_004543.5); short protein forms R7501C, R5765C, R7466C.
Identifiers: ClinVar variation 424165 (VCV000424165.7), dbSNP rs768826001, ClinGen allele CA1906659.